The following is an entry in ClinVar:

NM_000487.6(ARSA):c.1108-12C>G

Gene: ARSA (arylsulfatase A; minus strand). Cytogenetic location: 22q13.33.
Variant type: single nucleotide variant.
Coding change: c.1108-12C>G on transcript NM_000487.6 (MANE Select); 12 bases into the intron before coding-DNA position 1108, C replaced by G.
Molecular consequence: intron variant.
Genome position (GRCh38, 1-based): chr22:50,625,693, G>C on the plus strand (C>G on the coding strand, the complement: ARSA is on the minus strand). VCF-style: chr22-50625693-G-C. GRCh37 (hg19) VCF-style: chr22-51064121-G-C.
Other names: c.850-12C>G (NM_001362782.2, NM_001085428.3); c.1108-12C>G (NM_001085427.3, NM_001085426.3, NM_001085425.3).
Identifiers: ClinVar variation 1511325 (VCV001511325.4), dbSNP rs757806374, ClinGen allele CA10324811.

ClinVar aggregate classification (germline): Uncertain significance. Review status: criteria provided, multiple submitters, no conflicts (2 of 4 stars). 2 submissions from 2 submitters: Uncertain significance (2). Last evaluated 2025-08-21.

Conditions:
Metachromatic leukodystrophy (MLD). Also called: Cerebral sclerosis diffuse metachromatic form; Arylsulfatase A Deficiency; ARSA DEFICIENCY; CEREBROSIDE SULFATASE DEFICIENCY; METACHROMATIC LEUKOENCEPHALOPATHY; SULFATIDE LIPIDOSIS. Identifiers: Orphanet 512, MedGen C0023522, MONDO:0018868, OMIM 250100.

Allele frequency attached by ClinVar (database versions not stated): gnomAD exomes below 0.00001; TOPMed below 0.00001; ExAC 0.00001.
gnomAD v4.1: 2 of 1,611,502 alleles (0.00012%); highest among the groups gnomAD compares: Admixed American, 0.0017%; no homozygotes.

Submissions (2):

3billion
Classification: Uncertain significance for Metachromatic leukodystrophy. Last evaluated: 2025-08-21. Review status: criteria provided, single submitter. Criteria: ACMG Guidelines, 2015. Collection method: clinical testing. Allele origin: germline. Affected: yes.
Comment: The variant is observed at an extremely low frequency in the gnomAD v4.1.0 dataset (total allele frequency: <0.001%). Predicted Consequence/Location: Missense variant In silico tool predictions suggest damaging effect of the variant on gene or gene product [REVEL: 0.59 (>=0.6, sensitivity 0.68 and specificity 0.92); 3Cnet: 0.99 (> 0.75, sensitivity 0.96 and precision 0.92)]. A different missense change at the same codon (p.Phe401Ser) has been reported to be associated with ARSA-related disorder (PMID: 30674982). However the evidence of pathogenicity is insufficient at this time. Therefore, this variant is classified as VUS according to the recommendation of ACMG/AMP guideline.

Labcorp Genetics (formerly Invitae), Labcorp
Classification: Uncertain significance for Metachromatic leukodystrophy. Last evaluated: 2022-07-19. Review status: criteria provided, single submitter. Criteria: Invitae Variant Classification Sherloc (09022015). Collection method: clinical testing. Allele origin: germline.
Comment: This sequence change falls in intron 6 of the ARSA gene. It does not directly change the encoded amino acid sequence of the ARSA protein. The frequency data for this variant in the population databases is considered unreliable, as metrics indicate poor data quality at this position in the gnomAD database. This variant has been observed in individual(s) with metachromatic leukodystrophy (PMID: 10477432). ClinVar contains an entry for this variant (Variation ID: 1511325). Algorithms developed to predict the effect of sequence changes on RNA splicing suggest that this variant may disrupt the consensus splice site. In summary, the available evidence is currently insufficient to determine the role of this variant in disease. Therefore, it has been classified as a Variant of Uncertain Significance.

Literature cited by the submitters: PubMed 10477432 (cited by 3billion and Labcorp Genetics (formerly Invitae), Labcorp).